The following is an entry in ClinVar:

NM_001372.4(DNAH9):c.7456G>T (p.Val2486Leu)

Gene: DNAH9 (dynein axonemal heavy chain 9; plus strand). Cytogenetic location: 17p12.
Variant type: single nucleotide variant.
Coding change: c.7456G>T on transcript NM_001372.4 (MANE Select); coding-DNA position 7456, G replaced by T.
Protein change: p.Val2486Leu; replaces valine 2486 with leucine.
Molecular consequence: missense variant.
Genome position (GRCh38, 1-based): chr17:11,769,233, G>T. VCF-style: chr17-11769233-G-T. GRCh37 (hg19) VCF-style: chr17-11672550-G-T.
Other names: c.7456G>T (NM_001372.3); short protein forms V2486L.
Identifiers: ClinVar variation 1541623 (VCV001541623.10), dbSNP rs144734617, ClinGen allele CA8396634.
Genomic context (GRCh38, chr17:11,769,233, plus strand): 5'-CGGTTGATGGCGCGGCAGCGGCCTGTCATGCTGGTGGGCACGGCTGGCACTGGCAAGTCG[G>T]TGCTGGTGGGAGCTAAGCTGGCCAGCCTTGACCCCGAGGCATACCTGGTGAAAAACGTGC-3'
Protein context (NP_001363.2, residues 2476-2496): LVGTAGTGKS[Val2486Leu]LVGAKLASLD

ClinVar aggregate classification (germline): Conflicting classifications of pathogenicity. Review status: criteria provided, conflicting classifications (1 of 4 stars). 3 submissions from 3 submitters: Uncertain significance (2); Likely benign (1). Last evaluated 2026-01-22.

Conditions:
Inborn genetic diseases. Identifiers: MedGen C0950123, MeSH D030342.
DNAH9-related disorder. Also called: DNAH9-related condition.

Allele frequency attached by ClinVar (database versions not stated): gnomAD exomes 0.00011 and 0.00028; ExAC 0.00031; gnomAD 0.00093 and 0.00105; TOPMed 0.00116; ESP Exome Variant Server 0.00146.
gnomAD v4.1: 316 of 1,614,060 alleles (0.02%); highest among the groups gnomAD compares: African/African-American, 0.33%; 1 homozygote.

Submissions (3):

Labcorp Genetics (formerly Invitae), Labcorp
Classification: Likely benign. Last evaluated: 2026-01-22. Review status: criteria provided, single submitter. Criteria: Invitae Variant Classification Sherloc (09022015). Collection method: clinical testing. Allele origin: germline.

PreventionGenetics, part of Exact Sciences
Classification: Uncertain significance for DNAH9-related condition. Last evaluated: 2024-12-06. Review status: criteria provided, single submitter. Criteria: ACMG Guidelines, 2015. Collection method: clinical testing. Allele origin: germline.
Comment: The DNAH9 c.7456G>T variant is predicted to result in the amino acid substitution p.Val2486Leu. To our knowledge, this variant has not been reported in the literature. This variant is reported in 0.32% of alleles in individuals of African descent in gnomAD. Although we suspect that this variant may be benign, at this time, the clinical significance of this variant is uncertain due to the absence of conclusive functional and genetic evidence.

Ambry Genetics
Classification: Uncertain significance for Inborn genetic diseases. Last evaluated: 2021-06-18. Review status: criteria provided, single submitter. Criteria: Ambry Variant Classification Scheme 2023. Collection method: clinical testing. Allele origin: germline.